The following is an entry in ClinVar:

NM_017849.4(TMEM127):c.29C>T (p.Pro10Leu)

Genes: TMEM127 (transmembrane protein 127; minus strand), LOC129934333 (ATAC-STARR-seq lymphoblastoid silent region 11759; plus strand). Cytogenetic location: 2q11.2.
Variant type: single nucleotide variant.
Coding change: c.29C>T on transcript NM_017849.4 (MANE Select); coding-DNA position 29, C replaced by T.
Protein change: p.Pro10Leu; replaces proline 10 with leucine.
Molecular consequence: missense variant. On other transcripts: intron variant (1).
Genome position (GRCh38, 1-based): chr2:96,265,353, G>A on the plus strand (C>T on the coding strand, the complement: TMEM127 is on the minus strand). VCF-style: chr2-96265353-G-A. GRCh37 (hg19) VCF-style: chr2-96931091-G-A.
Other names: c.29C>T, p.Pro10Leu (NM_001193304.3); c.-9+516C>T (NM_001407283.1); short protein forms P10L.
Identifiers: ClinVar variation 2679218 (VCV002679218.2), dbSNP rs2467286250, ClinGen allele CA347656284.

ClinVar aggregate classification (germline): Uncertain significance. Review status: criteria provided, multiple submitters, no conflicts (2 of 4 stars). 2 submissions from 2 submitters: Uncertain significance (2). Last evaluated 2026-07-07.

Conditions:
Pheochromocytoma. Also called: MAX-Related Hereditary Paraganglioma-Pheochromocytoma Syndrome. Identifiers: Orphanet 29072, MedGen C0031511, MONDO:0008233, OMIM 171300, HP:0002666.
Hereditary cancer-predisposing syndrome. Also called: Hereditary neoplastic syndrome; Hereditary Cancer Syndrome; Neoplastic Syndromes, Hereditary; Tumor predisposition. Identifiers: Orphanet 140162, MedGen C0027672, MeSH D009386, MONDO:0015356.

Allele frequency attached by ClinVar (database versions not stated): gnomAD exomes below 0.00001.

Submissions (2):

Ambry Genetics
Classification: Uncertain significance for Hereditary cancer-predisposing syndrome. Last evaluated: 2026-07-07. Review status: criteria provided, single submitter. Criteria: Ambry Variant Classification Scheme 2023. Collection method: clinical testing. Allele origin: germline.
Comment: The p.P10L variant (also known as c.29C>T), located in coding exon 1 of the TMEM127 gene, results from a C to T substitution at nucleotide position 29. The proline at codon 10 is replaced by leucine, an amino acid with similar properties. This amino acid position is conserved. In addition, the in silico prediction for this alteration is inconclusive. Based on the available evidence, the clinical significance of this variant remains unclear.

Baylor Genetics
Classification: Uncertain significance for Pheochromocytoma. Last evaluated: 2023-05-16. Review status: criteria provided, single submitter. Criteria: ACMG Guidelines, 2015. Collection method: clinical testing. Allele origin: unknown.